The following is an entry in ClinVar:

NM_001375524.1(TRRAP):c.3088G>A (p.Val1030Ile)

Gene: TRRAP (transformation/transcription domain associated protein; plus strand). Cytogenetic location: 7q22.1.
Variant type: single nucleotide variant.
Coding change: c.3088G>A on transcript NM_001375524.1 (MANE Select); coding-DNA position 3088, G replaced by A.
Protein change: p.Val1030Ile; replaces valine 1030 with isoleucine.
Molecular consequence: missense variant.
Genome position (GRCh38, 1-based): chr7:98,927,279, G>A. VCF-style: chr7-98927279-G-A. GRCh37 (hg19) VCF-style: chr7-98524902-G-A.
Other names: c.3088G>A, p.Val1030Ile (NM_003496.4, NM_001244580.2); c.3088G>A (NM_003496.3); short protein forms V1030I.
Identifiers: ClinVar variation 1067765 (VCV001067765.12), dbSNP rs2116495090, ClinGen allele CA368297245.

ClinVar aggregate classification (germline): Likely pathogenic. Review status: criteria provided, multiple submitters, no conflicts (2 of 4 stars). 3 submissions from 3 submitters: Likely pathogenic (3). Last evaluated 2025-03-17.

Submissions (3):

GeneDx
Classification: Likely pathogenic. Last evaluated: 2025-03-17. Review status: criteria provided, single submitter. Criteria: GeneDx Variant Classification Process June 2021. Collection method: clinical testing. Allele origin: germline. Affected: yes.
Comment: Not observed at significant frequency in large population cohorts (gnomAD); In silico analysis indicates that this missense variant does not alter protein structure/function; This variant is associated with the following publications: (PMID: 33057194, 35982159)

Dasa
Classification: Likely pathogenic. Last evaluated: 2024-12-16. Review status: criteria provided, single submitter. Criteria: DASA Assertion Criteria. Collection method: clinical testing. Allele origin: germline.
Comment: NM_001375524.1(TRRAP):c.3088G>A (p.Val1030Ile) is a missense variant that results in the substitution of valine with isoleucine. This variant has been reported in individuals with TRRAP-related disorders. Also, this variant is absent from population databases. Based on the currently available evidence, this variant is classified as likely pathogenic.

Labcorp Genetics (formerly Invitae), Labcorp
Classification: Likely pathogenic. Last evaluated: 2020-04-01. Review status: criteria provided, single submitter. Criteria: Invitae Variant Classification Sherloc (09022015). Collection method: clinical testing. Allele origin: germline.
Comment: In summary, the currently available evidence indicates that the variant is pathogenic, but additional data are needed to prove that conclusively. Therefore, this variant has been classified as Likely Pathogenic. Algorithms developed to predict the effect of missense changes on protein structure and function (SIFT, PolyPhen-2, Align-GVGD) all suggest that this variant is likely to be tolerated, but these predictions have not been confirmed by published functional studies and their clinical significance is uncertain. This variant has been observed in individual(s) with clinical features of TRRAP-related intellectual disability syndrome (Invitae). In at least one individual the variant was observed to be de novo. This variant is not present in population databases (ExAC no frequency). This sequence change replaces valine with isoleucine at codon 1030 of the TRRAP protein (p.Val1030Ile). The valine residue is weakly conserved and there is a small physicochemical difference between valine and isoleucine.